The following is an entry in ClinVar:

NM_001283009.2(RTEL1):c.2957G>A (p.Arg986Gln)

Genes: RTEL1 (regulator of telomere elongation helicase 1; plus strand), RTEL1-TNFRSF6B (RTEL1-TNFRSF6B readthrough (NMD candidate); plus strand). Cytogenetic location: 20q13.33.
Variant type: single nucleotide variant.
Coding change: c.2957G>A on transcript NM_001283009.2 (MANE Select); coding-DNA position 2957, G replaced by A.
Protein change: p.Arg986Gln; replaces arginine 986 with glutamine.
Molecular consequence: missense variant. On other transcripts: non-coding transcript variant (1).
Genome position (GRCh38, 1-based): chr20:63,693,248, G>A. VCF-style: chr20-63693248-G-A. GRCh37 (hg19) VCF-style: chr20-62324601-G-A.
Other names: c.2288G>A, p.Arg763Gln (NM_001283010.1); c.2957G>A, p.Arg986Gln (NM_016434.4); c.3029G>A, p.Arg1010Gln (NM_032957.5); c.2957G>A (NM_001283009.1); short protein forms R986Q, R1010Q, R763Q.
Identifiers: ClinVar variation 217285 (VCV000217285.11), dbSNP rs146221660, ClinGen allele CA210095.

ClinVar aggregate classification (germline): Conflicting classifications of pathogenicity. Review status: criteria provided, conflicting classifications (1 of 4 stars). 8 submissions from 8 submitters: Pathogenic (1); Uncertain significance (4). 3 of the submissions do not count toward it. Last evaluated 2025-01-22.

Conditions:
RTEL1-related disorder. Also called: RTEL1-related disorders; RTEL1-related condition.
Dyskeratosis congenita, autosomal recessive 5 (DKCB5). Identifiers: MedGen C3554656, MONDO:0014076, OMIM 615190.
Pulmonary fibrosis and/or bone marrow failure, Telomere-related, 3. Also called: PULMONARY FIBROSIS AND/OR BONE MARROW FAILURE SYNDROME, TELOMERE-RELATED, 3. Identifiers: Orphanet 2032, MedGen C4225346, MONDO:0014613, OMIM 616373.
Dyskeratosis congenita. Identifiers: Orphanet 1775, MedGen C0265965, MONDO:0015780.
Interstitial lung disease 2 (ILD2). Also called: FIBROCYSTIC PULMONARY DYSPLASIA; FIBROSING ALVEOLITIS, CRYPTOGENIC; Familial idiopathic pulmonary fibrosis. Identifiers: Orphanet 2032, Orphanet 79126, MedGen C5561926, MONDO:0800497, OMIM 178500, MONDO:0800029.

Allele frequency attached by ClinVar (database versions not stated): gnomAD 0.00004; TOPMed 0.00004; ESP Exome Variant Server 0.00008.
gnomAD v4.1: 69 of 1,611,840 alleles (0.0043%); highest among the groups gnomAD compares: African/African-American, 0.008%; 1 homozygote.

Submissions (8):

Labcorp Genetics (formerly Invitae), Labcorp
Classification: Uncertain significance for Dyskeratosis congenita, autosomal recessive 5; Pulmonary fibrosis and/or bone marrow failure, Telomere-related, 3. Last evaluated: 2025-01-22. Review status: criteria provided, single submitter. Criteria: Invitae Variant Classification Sherloc (09022015). Collection method: clinical testing. Allele origin: germline.
Comment: This sequence change replaces arginine, which is basic and polar, with glutamine, which is neutral and polar, at codon 986 of the RTEL1 protein (p.Arg986Gln). This variant is present in population databases (rs146221660, gnomAD 0.01%). This missense change has been observed in individual(s) with familial interstitial pneumonia (PMID: 25607374). ClinVar contains an entry for this variant (Variation ID: 217285). An algorithm developed to predict the effect of missense changes on protein structure and function outputs the following: PolyPhen-2: "Benign". The glutamine amino acid residue is found in multiple mammalian species, which suggests that this missense change does not adversely affect protein function. In summary, the available evidence is currently insufficient to determine the role of this variant in disease. Therefore, it has been classified as a Variant of Uncertain Significance.

GeneDx
Classification: Uncertain significance. Last evaluated: 2023-08-04. Review status: criteria provided, single submitter. Criteria: GeneDx Variant Classification Process June 2021. Collection method: clinical testing. Allele origin: germline. Affected: yes.
Comment: Identified in an individual with familial interstitial pneumonia in published literature (Cogan et al., 2015); In silico analysis supports that this missense variant does not alter protein structure/function; Also known as c.2957G>A; p.(R986Q); This variant is associated with the following publications: (PMID: 25607374)

PreventionGenetics, part of Exact Sciences
Classification: Uncertain significance for RTEL1-related condition. Last evaluated: 2023-06-02. Review status: criteria provided, single submitter. Criteria: ACMG Guidelines, 2015. Collection method: clinical testing. Allele origin: germline.
Comment: The RTEL1 c.3029G>A variant is predicted to result in the amino acid substitution p.Arg1010Gln. This variant was reported in an individual with familial interstitial pneumonia (Cogan et al. 2015. PubMed ID: 25607374). This variant is reported in 0.016% of alleles in individuals of African descent in gnomAD. At this time, the clinical significance of this variant is uncertain due to the absence of conclusive functional and genetic evidence.

Victorian Clinical Genetics Services, Murdoch Childrens Research Institute
Classification: Uncertain significance for Pulmonary fibrosis and/or bone marrow failure, Telomere-related, 3. Last evaluated: 2020-10-19. Review status: criteria provided, single submitter. Criteria: ACMG Guidelines, 2015. Collection method: clinical testing. Allele origin: germline. Inheritance: Autosomal dominant inheritance.
Comment: Based on the classification scheme VCGS_Germline_v1.3.3, this variant is classified as 3C-VUS. Following criteria are met: 0102 - Loss of function is a known mechanism of disease in this gene and is associated with pulmonary fibrosis and/or bone marrow failure, telomere-related, 3 (MIM#616373). (I) 0108 - This gene is associated with both recessive and dominant disease (OMIM). (I) 0200 - Variant is predicted to result in a missense amino acid change from arginine to glutamine. (I) 0251 - This variant is heterozygous. (I) 0304 - Variant is present in gnomAD <0.01 for a recessive condition (v2: 9 heterozygotes, 0 homozygotes). (SP) 0309 - An alternative amino acid change at the same position has been observed in gnomAD (v2: 1 heterozygote, 0 homozygotes). (I) 0504 - Same amino acid change has been observed in placental mammals. (SB) 0604 - Variant is not located in an established domain, motif, hotspot or informative constraint region. (I) 0705 - No comparable missense variants have previous evidence for pathogenicity. (I) 0808 - Previous reports of pathogenicity for this variant are conflicting. This variant has been previously reported as pathogenic in a family (2 tested individuals) with familial interstitial pneumonia (PMID: 25607374) and also as a VUS (ClinVar, global variome LOVD). (I) 1208 - Inheritance information for this variant is not currently available in this individual. (I) Legend: (SP) - Supporting pathogenic, (I) - Information, (SB) - Supporting benign

University of Washington Center for Mendelian Genomics, University of Washington
Classification: Pathogenic for Interstitial lung disease 2. Last evaluated: 2015-05-19. Review status: criteria provided, single submitter. Criteria: Submitter's publication. Collection method: research. Allele origin: inherited. Affected: yes.

Natera, Inc.
Classification: Uncertain significance for Dyskeratosis congenita. Last evaluated: 2020-12-18. Review status: no assertion criteria provided. Collection method: clinical testing. Allele origin: germline. Not counted in ClinVar's aggregate classification.

Counsyl
Classification: Uncertain significance for Dyskeratosis congenita, autosomal recessive 5. Last evaluated: 2017-03-23. Review status: no assertion criteria provided. Collection method: clinical testing. Allele origin: unknown. Not counted in ClinVar's aggregate classification.

OMIM
Classification: Pathogenic for PULMONARY FIBROSIS AND/OR BONE MARROW FAILURE SYNDROME, TELOMERE-RELATED, 3. Last evaluated: 2015-03-15. Review status: no assertion criteria provided. Collection method: literature only. Allele origin: germline. Not counted in ClinVar's aggregate classification.

Literature cited by the submitters: PubMed 25607374 (cited by 3 submitters).